The following is an entry in ClinVar:

NM_000017.4(ACADS):c.326_328del (p.Cys109_Ala110delinsSer)

Gene: ACADS (acyl-CoA dehydrogenase short chain; plus strand). Cytogenetic location: 12q24.31.
Variant type: Deletion.
Coding change: c.326_328del on transcript NM_000017.4 (MANE Select); coding-DNA positions 326 to 328, 3 bases deleted (GCG; older notation c.326_328delGCG).
Protein change: p.Cys109_Ala110delinsSer.
Molecular consequence: inframe indel.
Genome position (GRCh38, 1-based): chr12:120,737,101-120,737,103, GCG deleted. VCF-style (leftmost placement, unchanged base first): chr12-120737100-TGCG-T. GRCh37 (hg19) VCF-style: chr12-121174903-TGCG-T.
Other names: c.326_328del, p.Cys109_Ala110delinsSer (NM_001302554.2).
Identifiers: ClinVar variation 552519 (VCV000552519.16), dbSNP rs1346829948, ClinGen allele CA608059761.

ClinVar aggregate classification (germline): Conflicting classifications of pathogenicity. Review status: criteria provided, conflicting classifications (1 of 4 stars). 4 submissions from 4 submitters: Likely pathogenic (2); Uncertain significance (1). 1 of the submissions does not count toward it. Last evaluated 2024-03-27.

Conditions:
Deficiency of butyryl-CoA dehydrogenase (ACADSD). Also called: SCAD DEFICIENCY, MILD; ACYL-CoA DEHYDROGENASE, SHORT-CHAIN, DEFICIENCY OF; ACADS DEFICIENCY; Short-Chain Acyl-CoA Dehydrogenase Deficiency; SCAD Deficiency; SCADH DEFICIENCY. Identifiers: Orphanet 26792, MedGen C0342783, MONDO:0008722, OMIM 201470. Disease mechanism: May be benign.

Allele frequency attached by ClinVar (database versions not stated): gnomAD exomes below 0.00001; gnomAD 0.00001; TOPMed 0.00005.

Submissions (4):

Labcorp Genetics (formerly Invitae), Labcorp
Classification: Uncertain significance for Deficiency of butyryl-CoA dehydrogenase. Last evaluated: 2024-03-27. Review status: criteria provided, single submitter. Criteria: Invitae Variant Classification Sherloc (09022015). Collection method: clinical testing. Allele origin: germline.
Comment: This variant, c.326_328del, is a complex sequence change that results in the deletion of 2 and insertion of 1 amino acid(s) in the ACADS protein (p.Cys109_Ala110delinsSer). This variant is present in population databases (no rsID available, gnomAD 0.008%). This variant has not been reported in the literature in individuals affected with ACADS-related conditions. ClinVar contains an entry for this variant (Variation ID: 552519). Experimental studies and prediction algorithms are not available or were not evaluated, and the functional significance of this variant is currently unknown. In summary, the available evidence is currently insufficient to determine the role of this variant in disease. Therefore, it has been classified as a Variant of Uncertain Significance.

Genome-Nilou Lab
Classification: Likely pathogenic for Deficiency of butyryl-CoA dehydrogenase. Last evaluated: 2021-11-07. Review status: criteria provided, single submitter. Criteria: ACMG Guidelines, 2015. Collection method: clinical testing. Allele origin: germline. Affected: no.

GeneDx
Classification: Likely pathogenic. Last evaluated: 2019-11-05. Review status: criteria provided, single submitter. Criteria: GeneDx Variant Classification Process June 2021. Collection method: clinical testing. Allele origin: germline. Affected: yes.
Comment: Deletion of three nucleotides at position c.326 of the ACADS gene results in the replacement of two normal amino acids with one incorrect amino acid in a non-repeat region predicted to critically alter the protein; Not observed at a significant frequency in large population cohorts (Lek et al., 2016); In silico analysis, which includes protein predictors and evolutionary conservation, supports a deleterious effect; Has not been previously published as pathogenic or benign to our knowledge

Counsyl
Classification: Uncertain significance for Deficiency of butyryl-CoA dehydrogenase. Last evaluated: 2017-06-20. Review status: no assertion criteria provided. Collection method: clinical testing. Allele origin: unknown. Not counted in ClinVar's aggregate classification.